The following is an entry in ClinVar:

ClinVar aggregate classification (germline): Likely benign. Review status: criteria provided, multiple submitters, no conflicts (2 of 4 stars). 3 submissions from 3 submitters: Likely benign (3). Last evaluated 2025-11-17.

Conditions:
Charcot-Marie-Tooth disease axonal type 2U. Also called: CHARCOT-MARIE-TOOTH NEUROPATHY, TYPE 2U; CHARCOT-MARIE-TOOTH DISEASE, AXONAL, AUTOSOMAL DOMINANT, TYPE 2U. Identifiers: Orphanet 397735, MedGen C4084821, MONDO:0014566, OMIM 616280.
Severe early-onset pulmonary alveolar proteinosis due to MARS deficiency. Also called: PULMONARY ALVEOLAR PROTEINOSIS, REUNION ISLAND; Interstitial lung and liver disease. Identifiers: Orphanet 440427, MedGen C4225400, MONDO:0014206, OMIM 615486.

Allele frequency attached by ClinVar (database versions not stated): gnomAD exomes 0.00002 and 0.00004; gnomAD 0.00003 and 0.00004; TOPMed 0.00003; ExAC 0.00006.
gnomAD v4.1: 41 of 1,614,156 alleles (0.0025%); highest among the groups gnomAD compares: Middle Eastern, 0.033%; no homozygotes.

Submissions (3):

Labcorp Genetics (formerly Invitae), Labcorp
Classification: Likely benign for Charcot-Marie-Tooth disease axonal type 2U; Severe early-onset pulmonary alveolar proteinosis due to MARS deficiency. Last evaluated: 2025-11-17. Review status: criteria provided, single submitter. Criteria: Invitae Variant Classification Sherloc (09022015). Collection method: clinical testing. Allele origin: germline.

Ambry Genetics
Classification: Likely benign. Last evaluated: 2019-07-11. Review status: criteria provided, single submitter. Criteria: Ambry Variant Classification Scheme 2023. Collection method: clinical testing. Allele origin: germline.

GeneDx
Classification: Likely benign. Last evaluated: 2016-08-30. Review status: criteria provided, single submitter. Criteria: GeneDx Variant Classification (06012015). Collection method: clinical testing. Allele origin: germline. Affected: yes.
Comment: This variant is considered likely benign or benign based on one or more of the following criteria: it is a conservative change, it occurs at a poorly conserved position in the protein, it is predicted to be benign by multiple in silico algorithms, and/or has population frequency not consistent with disease.

NM_004990.4(MARS1):c.1209C>T (p.Gly403=)

Gene: MARS1 (methionyl-tRNA synthetase 1; plus strand). Cytogenetic location: 12q13.3.
Variant type: single nucleotide variant.
Coding change: c.1209C>T on transcript NM_004990.4 (MANE Select); coding-DNA position 1209, C replaced by T.
Protein change: p.Gly403=; no amino-acid change (glycine 403 retained).
Molecular consequence: synonymous variant.
Genome position (GRCh38, 1-based): chr12:57,500,438, C>T. VCF-style: chr12-57500438-C-T. GRCh37 (hg19) VCF-style: chr12-57894221-C-T.
Identifiers: ClinVar variation 388751 (VCV000388751.8), dbSNP rs746685572, ClinGen allele CA6650442.